The following is an entry in ClinVar:

NM_205861.3(DHDDS):c.822G>C (p.Gln274His)

Gene: DHDDS (dehydrodolichyl diphosphate synthase subunit; plus strand). Cytogenetic location: 1p36.11.
Variant type: single nucleotide variant.
Coding change: c.822G>C on transcript NM_205861.3 (MANE Select); coding-DNA position 822, G replaced by C.
Protein change: p.Gln274His; replaces glutamine 274 with histidine.
Molecular consequence: missense variant.
Genome position (GRCh38, 1-based): chr1:26,468,951, G>C. VCF-style: chr1-26468951-G-C. GRCh37 (hg19) VCF-style: chr1-26795442-G-C.
Other names: c.720G>C, p.Gln240His (NM_001243564.2); c.705G>C, p.Gln235His (NM_001243565.2); c.543G>C, p.Gln181His (NM_001319959.2); c.825G>C, p.Gln275His (NM_024887.4); short protein forms Q274H, Q181H, Q235H, Q240H, Q275H.
Identifiers: ClinVar variation 1476207 (VCV001476207.6), dbSNP rs2124552427, ClinGen allele CA339145627.

ClinVar aggregate classification (germline): Uncertain significance (1 of 4 stars; one submission).

Conditions:
Retinitis pigmentosa 59 (RP59). Identifiers: Orphanet 791, MedGen C3151227, MONDO:0013468, OMIM 613861.

Submission:

Labcorp Genetics (formerly Invitae), Labcorp
Classification: Uncertain significance for Retinitis pigmentosa 59. Last evaluated: 2022-06-20. Review status: criteria provided, single submitter. Criteria: Invitae Variant Classification Sherloc (09022015). Collection method: clinical testing. Allele origin: germline.
Comment: In summary, the available evidence is currently insufficient to determine the role of this variant in disease. Therefore, it has been classified as a Variant of Uncertain Significance. Algorithms developed to predict the effect of missense changes on protein structure and function are either unavailable or do not agree on the potential impact of this missense change (SIFT: "Deleterious"; PolyPhen-2: "Benign"; Align-GVGD: "Class C0"). This variant has not been reported in the literature in individuals affected with DHDDS-related conditions. This variant is not present in population databases (gnomAD no frequency). This sequence change replaces glutamine, which is neutral and polar, with histidine, which is basic and polar, at codon 275 of the DHDDS protein (p.Gln275His).